The following is an entry in ClinVar:

NM_001365276.2(TNXB):c.6972G>A (p.Thr2324=)

Gene: TNXB (tenascin XB; minus strand). Cytogenetic location: 6p21.33.
Variant type: single nucleotide variant.
Coding change: c.6972G>A on transcript NM_001365276.2 (MANE Select); coding-DNA position 6972, G replaced by A.
Protein change: p.Thr2324=; no amino-acid change (threonine 2324 retained).
Molecular consequence: synonymous variant.
Genome position (GRCh38, 1-based): chr6:32,062,353, C>T on the plus strand (G>A on the coding strand, the complement: TNXB is on the minus strand). VCF-style: chr6-32062353-C-T. GRCh37 (hg19) VCF-style: chr6-32030130-C-T.
Other names: p.Thr2324=; c.6972G>A, p.Thr2324= (NM_019105.8).
Identifiers: ClinVar variation 1193792 (VCV001193792.36), dbSNP rs202133293, ClinGen allele CA3734282.

ClinVar aggregate classification (germline): Likely benign. Review status: criteria provided, multiple submitters, no conflicts (2 of 4 stars). 11 submissions from 11 submitters: Likely benign (8). 3 of the submissions do not count toward it. Last evaluated 2026-01-20.

Conditions:
TNXB-related disorder. Also called: TNXB-related condition.
Ehlers-Danlos syndrome (EDS). Identifiers: Orphanet 98249, MedGen C0013720, MONDO:0020066.
Cardiovascular phenotype. Identifiers: MedGen CN230736.

Allele frequency attached by ClinVar (database versions not stated): 1000 Genomes Project 30x 0.00016; 1000 Genomes Project 0.00020; gnomAD 0.00056 and 0.00058; ExAC 0.00066; TOPMed 0.00068; gnomAD exomes 0.00072; ESP Exome Variant Server 0.00076.
gnomAD v4.1: 620 of 1,613,540 alleles (0.038%); highest among the groups gnomAD compares: Middle Eastern, 0.84%; 1 homozygote.

Submissions (11):

Labcorp Genetics (formerly Invitae), Labcorp
Classification: Likely benign. Last evaluated: 2026-01-20. Review status: criteria provided, single submitter. Criteria: Invitae Variant Classification Sherloc (09022015). Collection method: clinical testing. Allele origin: germline.

Mayo Clinic Laboratories, Mayo Clinic
Classification: Likely benign. Last evaluated: 2025-02-11. Review status: criteria provided, single submitter. Criteria: ACMG Guidelines, 2015. Collection method: clinical testing. Allele origin: germline. Observed: 6 variant alleles.
Comment: BS1, BP4, BP7

Blueprint Genetics
Classification: Likely benign. Last evaluated: 2024-09-23. Review status: criteria provided, single submitter. Criteria: ACMG Guidelines, 2015. Collection method: clinical testing. Allele origin: germline.

CeGaT Center for Human Genetics Tuebingen
Classification: Likely benign. Last evaluated: 2023-11-01. Review status: criteria provided, single submitter. Criteria: CeGaT Center For Human Genetics Tuebingen Variant Classification Criteria Version 2. Collection method: clinical testing. Allele origin: germline. Affected: yes. Observed: 1 variant allele.
Comment: TNXB: BP4, BP7

Ambry Genetics
Classification: Likely benign for Cardiovascular phenotype. Last evaluated: 2022-04-09. Review status: criteria provided, single submitter. Criteria: Ambry Variant Classification Scheme 2023. Collection method: clinical testing. Allele origin: germline.

Genome Diagnostics Laboratory, The Hospital for Sick Children
Classification: Likely benign for Ehlers-Danlos syndrome. Last evaluated: 2021-10-04. Review status: criteria provided, single submitter. Criteria: ACMG Guidelines, 2015. Collection method: clinical testing. Allele origin: germline.

GeneDx
Classification: Likely benign. Last evaluated: 2021-04-28. Review status: criteria provided, single submitter. Criteria: GeneDx Variant Classification Process June 2021. Collection method: clinical testing. Allele origin: germline. Affected: yes.

Breakthrough Genomics
Classification: Likely benign. Review status: criteria provided, single submitter. Criteria: ACMG Guidelines, 2015. Collection method: not provided. Allele origin: germline. Inheritance: Autosomal recessive inheritance. Affected: yes.

PreventionGenetics, part of Exact Sciences
Classification: Likely benign for TNXB-related condition. Last evaluated: 2023-03-08. Review status: no assertion criteria provided. Collection method: clinical testing. Allele origin: germline. Not counted in ClinVar's aggregate classification.
Comment: This variant is classified as likely benign based on ACMG/AMP sequence variant interpretation guidelines (Richards et al. 2015 PMID: 25741868, with internal and published modifications).

Clinical Genetics DNA and cytogenetics Diagnostics Lab, Erasmus MC, Erasmus Medical Center
Classification: Likely benign. Review status: no assertion criteria provided. Collection method: clinical testing. Allele origin: germline. Affected: yes. Study: VKGL Data-share Consensus. Not counted in ClinVar's aggregate classification.

Genome Diagnostics Laboratory, University Medical Center Utrecht
Classification: Likely benign. Review status: no assertion criteria provided. Collection method: clinical testing. Allele origin: germline. Affected: yes. Study: VKGL Data-share Consensus. Not counted in ClinVar's aggregate classification.